The following is an entry in ClinVar:

NM_001040142.2(SCN2A):c.3703C>T (p.Arg1235Ter)

Gene: SCN2A (sodium voltage-gated channel alpha subunit 2; plus strand). Cytogenetic location: 2q24.3.
Variant type: single nucleotide variant.
Coding change: c.3703C>T on transcript NM_001040142.2 (MANE Select); coding-DNA position 3703, C replaced by T.
Protein change: p.Arg1235Ter; replaces arginine 1235 with a stop codon.
Molecular consequence: nonsense.
Genome position (GRCh38, 1-based): chr2:165,370,153, C>T. VCF-style: chr2-165370153-C-T. GRCh37 (hg19) VCF-style: chr2-166226663-C-T.
Other names: c.3703C>T, p.Arg1235Ter (NM_001040143.2, NM_001371246.1, NM_001371247.1 and 1 more transcripts); short protein forms R1235*.
Identifiers: ClinVar variation 426208 (VCV000426208.11), dbSNP rs1085307500, ClinGen allele CA349027628.

ClinVar aggregate classification (germline): Pathogenic. Review status: criteria provided, multiple submitters, no conflicts (2 of 4 stars). 9 submissions from 9 submitters: Pathogenic (7). 2 of the submissions do not count toward it. Last evaluated 2026-01-28.

Conditions:
Inborn genetic diseases. Identifiers: MedGen C0950123, MeSH D030342.
Seizures, benign familial infantile, 3 (BFIS3). Also called: CONVULSIONS, BENIGN FAMILIAL INFANTILE, 3; Familial neonatal seizures. Identifiers: Orphanet 140927, Orphanet 306, MedGen C1843140, MONDO:0011904, OMIM 607745.
Developmental and epileptic encephalopathy, 11 (DEE11). Also called: Early infantile epileptic encephalopathy 11. Identifiers: Orphanet 1934, MedGen C3150987, MONDO:0013388, OMIM 613721.

Allele frequency attached by ClinVar (database versions not stated): gnomAD exomes below 0.00001.
gnomAD v4.1: 1 of 1,613,912 alleles (0.000062%); highest among the groups gnomAD compares: Non-Finnish European, 0.000085%; no homozygotes.

Submissions (9):

Labcorp Genetics (formerly Invitae), Labcorp
Classification: Pathogenic for Seizures, benign familial infantile, 3; Developmental and epileptic encephalopathy, 11. Last evaluated: 2026-01-28. Review status: criteria provided, single submitter. Criteria: Invitae Variant Classification Sherloc (09022015). Collection method: clinical testing. Allele origin: germline.
Comment: This sequence change creates a premature translational stop signal (p.Arg1235*) in the SCN2A gene. It is expected to result in an absent or disrupted protein product. Loss-of-function variants in SCN2A are known to be pathogenic (PMID: 28379373). This variant is not present in population databases (gnomAD no frequency). This premature translational stop signal has been observed in individual(s) with developmental delay, intellectual disability, and/or seizures (PMID: 28379373, 39039281). ClinVar contains an entry for this variant (Variation ID: 426208). For these reasons, this variant has been classified as Pathogenic.

Ambry Genetics
Classification: Pathogenic for Inborn genetic diseases. Last evaluated: 2025-02-20. Review status: criteria provided, single submitter. Criteria: Ambry Variant Classification Scheme 2023. Collection method: clinical testing. Allele origin: germline.
Comment: The c.3703C>T (p.R1235*) alteration, located in exon 20 (coding exon 19) of the SCN2A gene, consists of a C to T substitution at nucleotide position 3703. This changes the amino acid from an arginine (R) to a stop codon at amino acid position 1235. Loss-of-function variants are expected to result in loss of function by premature protein truncation or nonsense-mediated mRNA decay. However, in silico splice site analysis predicts that this alteration may weaken the native splice acceptor site. The exact functional effect of this variant is unknown. for SCN2A-related neurodevelopmental disorder; however, its clinical significance for SCN2A-related developmental and epileptic encephalopathy and SCN2A-related benign familial infantile seizures is uncertain. This variant was not reported in population-based cohorts in the Genome Aggregation Database (gnomAD). This variant was determined to be de novo in at least one individual with features consistent with SCN2A-related neurodevelopmental disorder (Wolff, 2017; Schmidt, 2024; NCBI ClinVar). Add to references: National Center for Biotechnology Information. ClinVar; [VCV000426208.8], (accessed Feb. 20, 2025). In silico splice site analysis predicts that this alteration may weaken the native splice acceptor site. Based on the available evidence, this alteration is classified as pathogenic.

Institute of Immunology and Genetics Kaiserslautern
Classification: Pathogenic for Developmental and epileptic encephalopathy, 11. Last evaluated: 2024-02-02. Review status: criteria provided, single submitter. Criteria: ACMG Guidelines, 2015. Collection method: clinical testing. Allele origin: de novo. Affected: yes.
Comment: ACMG Criteria: PVS1, PM2, PP3, PP5; Variant was found in heterozygous state

Genetics Laboratory, UDIAT-Centre Diagnòstic, Hospital Universitari Parc Tauli
Classification: Pathogenic for Developmental and epileptic encephalopathy, 11. Last evaluated: 2022-10-04. Review status: criteria provided, single submitter. Criteria: Parc Tauli Hospital Assertion Criteria 2021. Collection method: clinical testing. Allele origin: de novo. Inheritance: Autosomal dominant inheritance. Affected: yes.
Comment: PVS1;PS4;PM2_supporting;PM6

Laboratoire de Génétique Moléculaire, CHU Bordeaux
Classification: Pathogenic for Developmental and epileptic encephalopathy, 11. Last evaluated: 2020-05-29. Review status: criteria provided, single submitter. Criteria: ACMG Guidelines, 2015. Collection method: clinical testing. Allele origin: germline. Affected: yes.

Institute of Human Genetics Munich, TUM University Hospital
Classification: Pathogenic for Developmental and epileptic encephalopathy, 11. Last evaluated: 2020-01-07. Review status: criteria provided, single submitter. Criteria: Classification criteria August 2017. Collection method: clinical testing. Allele origin: de novo. Inheritance: Autosomal dominant inheritance. Affected: yes. Observed: 1 variant allele.

GeneDx
Classification: Pathogenic. Last evaluated: 2017-04-26. Review status: criteria provided, single submitter. Criteria: GeneDx Variant Classification (06012015). Collection method: clinical testing. Allele origin: germline. Affected: yes.
Comment: The R1235X pathogenic variant in the SCN2A gene has not been reported previously as a pathogenic variant nor as a benign variant, to our knowledge. This variant is predicted to cause loss of normal protein function either through protein truncation or nonsense-mediated mRNA decay. The R1235X variant is not observed in large population cohorts (Lek et al., 2016; 1000 Genomes Consortium et al., 2015; Exome Variant Server). We interpret R1235X as a pathogenic variant.

Diagnostic Laboratory, Department of Genetics, University Medical Center Groningen
Classification: Pathogenic. Review status: no assertion criteria provided. Collection method: clinical testing. Allele origin: germline. Affected: yes. Study: VKGL Data-share Consensus. Not counted in ClinVar's aggregate classification.

Joint Genome Diagnostic Labs from Nijmegen and Maastricht, Radboudumc and MUMC+
Classification: Pathogenic. Review status: no assertion criteria provided. Collection method: clinical testing. Allele origin: germline. Affected: yes. Study: VKGL Data-share Consensus. Not counted in ClinVar's aggregate classification.

Literature cited by the submitters: PubMed 28379373 (cited by Labcorp Genetics (formerly Invitae), Labcorp and Ambry Genetics); PubMed 39039281 (cited by Labcorp Genetics (formerly Invitae), Labcorp and Ambry Genetics).